The following is an entry in ClinVar:

ClinVar aggregate classification (germline): Uncertain significance (1 of 4 stars; one submission).

Conditions:
Gastrointestinal stromal tumor. Also called: Gastrointestinal stromal tumor, somatic; Gastrointestinal stroma tumor. Identifiers: Orphanet 44890, MedGen C0238198, MeSH D046152, MONDO:0011719, OMIM 606764, HP:0100723.

Submission:

Labcorp Genetics (formerly Invitae), Labcorp
Classification: Uncertain significance for Gastrointestinal stromal tumor. Last evaluated: 2019-10-22. Review status: criteria provided, single submitter. Criteria: Invitae Variant Classification Sherloc (09022015). Collection method: clinical testing. Allele origin: germline.
Comment: In summary, the available evidence is currently insufficient to determine the role of this variant in disease. Therefore, it has been classified as a Variant of Uncertain Significance. Algorithms developed to predict the effect of missense changes on protein structure and function output the following: SIFT: "Tolerated"; PolyPhen-2: "Benign"; Align-GVGD: "Class C0". The isoleucine amino acid residue is found in multiple mammalian species, suggesting that this missense change does not adversely affect protein function. These predictions have not been confirmed by published functional studies and their clinical significance is uncertain. This variant has not been reported in the literature in individuals with KIT-related conditions. This variant is not present in population databases (ExAC no frequency). This sequence change replaces threonine with isoleucine at codon 389 of the KIT protein (p.Thr389Ile). The threonine residue is moderately conserved and there is a moderate physicochemical difference between threonine and isoleucine.

NM_000222.3(KIT):c.1166C>T (p.Thr389Ile)

Gene: KIT (KIT proto-oncogene, receptor tyrosine kinase; plus strand). Cytogenetic location: 4q12.
Variant type: single nucleotide variant.
Coding change: c.1166C>T on transcript NM_000222.3 (MANE Select); coding-DNA position 1166, C replaced by T.
Protein change: p.Thr389Ile; replaces threonine 389 with isoleucine.
Molecular consequence: missense variant.
Genome position (GRCh38, 1-based): chr4:54,709,474, C>T. VCF-style: chr4-54709474-C-T. GRCh37 (hg19) VCF-style: chr4-55575640-C-T.
Other names: c.1166C>T, p.Thr389Ile (NM_001093772.2, NM_001385285.1, NM_001385286.1); c.1169C>T, p.Thr390Ile (NM_001385284.1, NM_001385288.1, NM_001385290.1 and 1 more transcripts); short protein forms T389I, T390I.
Identifiers: ClinVar variation 960974 (VCV000960974.10), dbSNP rs1721000810, ClinGen allele CA356902305.